The following is an entry in ClinVar:

NM_147127.5(EVC2):c.707-4G>A

Gene: EVC2 (EvC ciliary complex subunit 2; minus strand). Cytogenetic location: 4p16.2.
Variant type: single nucleotide variant.
Coding change: c.707-4G>A on transcript NM_147127.5 (MANE Select); 4 bases into the intron before coding-DNA position 707, G replaced by A.
Molecular consequence: intron variant.
Genome position (GRCh38, 1-based): chr4:5,685,483, C>T on the plus strand (G>A on the coding strand, the complement: EVC2 is on the minus strand). VCF-style: chr4-5685483-C-T. GRCh37 (hg19) VCF-style: chr4-5687210-C-T.
Other names: c.467-4G>A (NM_001166136.2).
Identifiers: ClinVar variation 288144 (VCV000288144.51), dbSNP rs113806963, ClinGen allele CA2835329.
Genomic context (GRCh38, chr4:5,685,483, plus strand): 5'-TCCCGAGGTCTCCAGCCTGGAGCGTGGCTGCGTAGCTGACAGCAAAGGCATCTCCCACTG[C>T]GCAGAGAAAAGCACATGTGACTCAGGGAGGGCTTGGCCACGCCCCCGGCTGCACCCCACC-3'

ClinVar aggregate classification (germline): Benign/Likely benign. Review status: criteria provided, multiple submitters, no conflicts (2 of 4 stars). 9 submissions from 9 submitters: Benign (3); Likely benign (6). Last evaluated 2026-09-01.

Conditions:
Ellis-van Creveld syndrome (EVC). Also called: Chondroectodermal dysplasia; MESOECTODERMAL DYSPLASIA. Identifiers: Orphanet 289, MedGen C0013903, MONDO:0009162, OMIM 225500.
Curry-Hall syndrome (WAD). Also called: WEYERS ACRODENTAL DYSOSTOSIS. Identifiers: Orphanet 952, MedGen C0457013, MONDO:0008673, OMIM 193530.

Allele frequency attached by ClinVar (database versions not stated): 1000 Genomes Project 0.00180; 1000 Genomes Project 30x 0.00203; TOPMed 0.00323; gnomAD exomes 0.00357; ExAC 0.00360; ESP Exome Variant Server 0.00377.
gnomAD v4.1: 6,515 of 1,613,818 alleles (0.4%); highest among the groups gnomAD compares: Non-Finnish European, 0.48%; 22 homozygotes.

Submissions (9):

CeGaT Center for Human Genetics Tuebingen
Classification: Likely benign. Last evaluated: 2026-09-01. Review status: criteria provided, single submitter. Criteria: CeGaT Center For Human Genetics Tuebingen Variant Classification Criteria Version 2. Collection method: clinical testing. Allele origin: germline. Affected: yes. Observed: 13 variant alleles.
Comment: EVC2: BP4, BS2

Women's Health and Genetics/Laboratory Corporation of America, LabCorp
Classification: Benign. Last evaluated: 2026-05-12. Review status: criteria provided, single submitter. Criteria: LabCorp Variant Classification Summary - May 2015. Collection method: clinical testing. Allele origin: germline.

Labcorp Genetics (formerly Invitae), Labcorp
Classification: Benign for Curry-Hall syndrome; Ellis-van Creveld syndrome. Last evaluated: 2026-02-02. Review status: criteria provided, single submitter. Criteria: Invitae Variant Classification Sherloc (09022015). Collection method: clinical testing. Allele origin: germline.

Blueprint Genetics
Classification: Likely benign. Last evaluated: 2024-11-20. Review status: criteria provided, single submitter. Criteria: ACMG Guidelines, 2015. Collection method: clinical testing. Allele origin: germline.

ARUP Laboratories, Molecular Genetics and Genomics, ARUP Laboratories
Classification: Likely benign. Last evaluated: 2023-11-09. Review status: criteria provided, single submitter. Criteria: ARUP Molecular Germline Variant Investigation Process 2024. Collection method: clinical testing. Allele origin: germline.

GeneDx
Classification: Benign. Last evaluated: 2019-05-31. Review status: criteria provided, single submitter. Criteria: GeneDx Variant Classification Process June 2021. Collection method: clinical testing. Allele origin: germline. Affected: yes.

Illumina Laboratory Services, Illumina
Classification: Likely benign for Ellis-van Creveld syndrome. Last evaluated: 2018-01-13. Review status: criteria provided, single submitter. Criteria: ICSL Variant Classification Criteria 13 December 2019. Collection method: clinical testing. Allele origin: germline.
Comment: This variant was observed in the ICSL laboratory as part of a predisposition screen in an ostensibly healthy population. It had not been previously curated by ICSL or reported in the Human Gene Mutation Database (HGMD: prior to June 1st, 2018), and was therefore a candidate for classification through an automated scoring system. Utilizing variant allele frequency, disease prevalence and penetrance estimates, and inheritance mode, an automated score was calculated to assess if this variant is too frequent to cause the disease. Based on the score and internal cut-off values, a variant classified as likely benign is not then subjected to further curation. The score for this variant resulted in a classification of likely benign for this disease.

Eurofins Ntd Llc (ga)
Classification: Likely benign. Last evaluated: 2016-10-19. Review status: criteria provided, single submitter. Criteria: EGL Classification Definitions 2015. Collection method: clinical testing. Allele origin: germline. Observed: 4 variant alleles, 4 heterozygotes.

Breakthrough Genomics
Classification: Likely benign. Review status: criteria provided, single submitter. Criteria: ACMG Guidelines, 2015. Collection method: not provided. Allele origin: germline. Inheritance: Autosomal recessive inheritance. Affected: yes.